The following is an entry in ClinVar:

NM_033159.4(HYAL1):c.899del (p.Leu300fs)

Gene: HYAL1 (hyaluronidase 1; minus strand). Cytogenetic location: 3p21.31.
Variant type: Deletion.
Coding change: c.899del on transcript NM_033159.4 (MANE Select); coding-DNA position 899, one base deleted (T; older notation c.899delT).
Protein change: p.Leu300fs; shifts the reading frame from leucine 300.
Molecular consequence: frameshift variant. On other transcripts: non-coding transcript variant (1).
Genome position (GRCh38, 1-based): chr3:50,302,058, A deleted on the plus strand (T on the coding strand, the reverse complement: HYAL1 is on the minus strand). VCF-style (leftmost placement, unchanged base first): chr3-50302057-CA-C. GRCh37 (hg19) VCF-style: chr3-50339488-CA-C.
Other names: c.899delT, p.Leu300Argfs (NM_007312.3); c.899del, p.Leu300fs (NM_153281.2, NM_153282.3); c.353del, p.Leu118fs (NM_153283.3); c.122del, p.Leu41fs (NM_153285.3); short protein forms L118fs, L300fs, L41fs.
Identifiers: ClinVar variation 1895901 (VCV001895901.2), dbSNP rs2470849547, ClinGen allele CA2577778321.

ClinVar aggregate classification (germline): Uncertain significance (1 of 4 stars; one submission).

Conditions:
Deficiency of hyaluronoglucosaminidase (MPS9). Also called: Mucopolysaccharidosis type 9; HYALURONIDASE DEFICIENCY; MPS IX. Identifiers: Orphanet 67041, MedGen C1291490, MONDO:0011093, OMIM 601492.

Submission:

Labcorp Genetics (formerly Invitae), Labcorp
Classification: Uncertain significance for Deficiency of hyaluronoglucosaminidase. Last evaluated: 2022-09-13. Review status: criteria provided, single submitter. Criteria: Invitae Variant Classification Sherloc (09022015). Collection method: clinical testing. Allele origin: germline.
Comment: This sequence change creates a premature translational stop signal (p.Leu300Argfs*23) in the HYAL1 gene. While this is not anticipated to result in nonsense mediated decay, it is expected to disrupt the last 136 amino acid(s) of the HYAL1 protein. This variant is not present in population databases (gnomAD no frequency). This variant has not been reported in the literature in individuals affected with HYAL1-related conditions. Experimental studies and prediction algorithms are not available or were not evaluated, and the functional significance of this variant is currently unknown. In summary, the available evidence is currently insufficient to determine the role of this variant in disease. Therefore, it has been classified as a Variant of Uncertain Significance.